The following is an entry in ClinVar:

ClinVar aggregate classification (germline): Uncertain significance. Review status: criteria provided, multiple submitters, no conflicts (2 of 4 stars). 2 submissions from 2 submitters: Uncertain significance (2). Last evaluated 2024-03-04.

Conditions:
Tumoral calcinosis, hyperphosphatemic, familial, 3. Identifiers: MedGen C4693864, MONDO:0060715, OMIM 617994.

Allele frequency attached by ClinVar (database versions not stated): gnomAD exomes below 0.00001 and 0.00001; ExAC 0.00001; gnomAD 0.00002; TOPMed 0.00004.
gnomAD v4.1: 10 of 1,614,028 alleles (0.00062%); highest among the groups gnomAD compares: African/African-American, 0.0067%; no homozygotes.

Submissions (2):

Labcorp Genetics (formerly Invitae), Labcorp
Classification: Uncertain significance. Last evaluated: 2024-03-04. Review status: criteria provided, single submitter. Criteria: Invitae Variant Classification Sherloc (09022015). Collection method: clinical testing. Allele origin: germline.
Comment: This sequence change replaces tryptophan, which is neutral and slightly polar, with arginine, which is basic and polar, at codon 858 of the KL protein (p.Trp858Arg). This variant is present in population databases (rs757603569, gnomAD 0.01%). This variant has not been reported in the literature in individuals affected with KL-related conditions. ClinVar contains an entry for this variant (Variation ID: 311704). Advanced modeling of protein sequence and biophysical properties (such as structural, functional, and spatial information, amino acid conservation, physicochemical variation, residue mobility, and thermodynamic stability) performed at Invitae indicates that this missense variant is expected to disrupt KL protein function with a positive predictive value of 80%. In summary, the available evidence is currently insufficient to determine the role of this variant in disease. Therefore, it has been classified as a Variant of Uncertain Significance.

Illumina Laboratory Services, Illumina
Classification: Uncertain significance for Tumoral calcinosis, hyperphosphatemic, familial, 3. Last evaluated: 2018-01-13. Review status: criteria provided, single submitter. Criteria: ICSL Variant Classification Criteria 13 December 2019. Collection method: clinical testing. Allele origin: germline.

NM_004795.4(KL):c.2572T>A (p.Trp858Arg)

Gene: KL (klotho; plus strand). Cytogenetic location: 13q13.1.
Variant type: single nucleotide variant.
Coding change: c.2572T>A on transcript NM_004795.4 (MANE Select); coding-DNA position 2572, T replaced by A.
Protein change: p.Trp858Arg; replaces tryptophan 858 with arginine.
Molecular consequence: missense variant.
Genome position (GRCh38, 1-based): chr13:33,061,651, T>A. VCF-style: chr13-33061651-T-A. GRCh37 (hg19) VCF-style: chr13-33635788-T-A.
Other names: short protein forms W858R.
Identifiers: ClinVar variation 311704 (VCV000311704.8), dbSNP rs757603569, ClinGen allele CA6944333.
Genomic context (GRCh38, chr13:33,061,651, plus strand): 5'-TGGCTCAACTCCCCCAGTCAGGTGGCGGTAGTGCCCTGGGGGTTGCGCAAAGTGCTGAAC[T>A]GGCTGAAGTTCAAGTACGGAGACCTCCCCATGTACATAATATCCAATGGAATCGATGACG-3'
Protein context (NP_004786.2, residues 848-868): VPWGLRKVLN[Trp858Arg]LKFKYGDLPM